The following is an entry in ClinVar:

NM_001349232.2(ATG7):c.519A>G (p.Ser173=)

Gene: ATG7 (autophagy related 7; plus strand). Cytogenetic location: 3p25.3.
Variant type: single nucleotide variant.
Coding change: c.519A>G on transcript NM_001349232.2 (MANE Select); coding-DNA position 519, A replaced by G.
Protein change: p.Ser173=; no amino-acid change (serine 173 retained).
Molecular consequence: synonymous variant. On other transcripts: 5 prime UTR variant (1), intron variant (2).
Genome position (GRCh38, 1-based): chr3:11,313,411, A>G. VCF-style: chr3-11313411-A-G. GRCh37 (hg19) VCF-style: chr3-11354885-A-G.
Other names: c.519A>G, p.Ser173= (NM_001136031.3, NM_001349233.2, NM_001349234.2 and 3 more transcripts); c.-293A>G (NM_001349238.2); c.412-1933A>G (NM_001349236.2, NM_001144912.2).
Identifiers: ClinVar variation 2653537 (VCV002653537.24), dbSNP rs201384830, ClinGen allele CA2255790.

ClinVar aggregate classification (germline): Likely benign (1 of 4 stars; one submission).

Allele frequency attached by ClinVar (database versions not stated): TOPMed 0.00001; ExAC 0.00002; gnomAD 0.00002; gnomAD exomes 0.00003; 1000 Genomes Project 30x 0.00016; 1000 Genomes Project 0.00020.
gnomAD v4.1: 50 of 1,606,216 alleles (0.0031%); highest among the groups gnomAD compares: Non-Finnish European, 0.0042%; no homozygotes.

Submission:

CeGaT Center for Human Genetics Tuebingen
Classification: Likely benign. Last evaluated: 2023-02-01. Review status: criteria provided, single submitter. Criteria: CeGaT Center For Human Genetics Tuebingen Variant Classification Criteria Version 2. Collection method: clinical testing. Allele origin: germline. Affected: yes. Observed: 1 variant allele.
Comment: ATG7: BP4, BP7